The following is an entry in ClinVar:

NM_014727.3(KMT2B):c.1862C>T (p.Pro621Leu)

Gene: KMT2B (lysine methyltransferase 2B; plus strand). Cytogenetic location: 19q13.12.
Variant type: single nucleotide variant.
Coding change: c.1862C>T on transcript NM_014727.3 (MANE Select); coding-DNA position 1862, C replaced by T.
Protein change: p.Pro621Leu; replaces proline 621 with leucine.
Molecular consequence: missense variant.
Genome position (GRCh38, 1-based): chr19:35,721,209, C>T. VCF-style: chr19-35721209-C-T. GRCh37 (hg19) VCF-style: chr19-36212111-C-T.
Other names: short protein forms P621L.
Identifiers: ClinVar variation 4681992 (VCV004681992.6).
Genomic context (GRCh38, chr19:35,721,209, plus strand): 5'-GGTCCATCCTAAGGGAACCCACATTTCGCTGGACCTCACTGACCCGGGAGCTGCCCCCTC[C>T]TCCCCCAGCCCCTCCACCTCCCCCGGCCCCCTCCCCACCCCCTGCTCCTGCCACCTCCTC-3'
Protein context (NP_055542.1, residues 611-631): WTSLTRELPP[Pro621Leu]PPAPPPPPAP

ClinVar aggregate classification (germline): Uncertain significance. Review status: criteria provided, multiple submitters, no conflicts (2 of 4 stars). 2 submissions from 2 submitters: Uncertain significance (2). Last evaluated 2025-12-01.

Submissions (2):

CeGaT Center for Human Genetics Tuebingen
Classification: Uncertain significance. Last evaluated: 2025-12-01. Review status: criteria provided, single submitter. Criteria: CeGaT Center For Human Genetics Tuebingen Variant Classification Criteria Version 2. Collection method: clinical testing. Allele origin: germline. Affected: yes. Observed: 1 variant allele.
Comment: KMT2B: PM2

Labcorp Genetics (formerly Invitae), Labcorp
Classification: Uncertain significance. Last evaluated: 2025-06-03. Review status: criteria provided, single submitter. Criteria: Invitae Variant Classification Sherloc (09022015). Collection method: clinical testing. Allele origin: germline.
Comment: This sequence change replaces proline, which is neutral and non-polar, with leucine, which is neutral and non-polar, at codon 621 of the KMT2B protein (p.Pro621Leu). This variant is not present in population databases (gnomAD no frequency). This variant has not been reported in the literature in individuals affected with KMT2B-related conditions. Invitae Evidence Modeling of protein sequence and biophysical properties (such as structural, functional, and spatial information, amino acid conservation, physicochemical variation, residue mobility, and thermodynamic stability) indicates that this missense variant is not expected to disrupt KMT2B protein function with a negative predictive value of 95%. In summary, the available evidence is currently insufficient to determine the role of this variant in disease. Therefore, it has been classified as a Variant of Uncertain Significance.